The following is an entry in ClinVar:

NM_199161.5(SAA1):c.332A>G (p.Asn111Ser)

Gene: SAA1 (serum amyloid A1; plus strand). Cytogenetic location: 11p15.1.
Variant type: single nucleotide variant.
Coding change: c.332A>G on transcript NM_199161.5 (MANE Select); coding-DNA position 332, A replaced by G.
Protein change: p.Asn111Ser; replaces asparagine 111 with serine.
Molecular consequence: missense variant.
Genome position (GRCh38, 1-based): chr11:18,269,818, A>G. VCF-style: chr11-18269818-A-G. GRCh37 (hg19) VCF-style: chr11-18291365-A-G.
Other names: c.332A>G, p.Asn111Ser (NM_000331.6, NM_001178006.3); short protein forms N111S.
Identifiers: ClinVar variation 2641661 (VCV002641661.24), dbSNP rs2494282315, ClinGen allele CA379506526.

ClinVar aggregate classification (germline): Uncertain significance (1 of 4 stars; one submission).

Allele frequency attached by ClinVar (database versions not stated): gnomAD exomes below 0.00001.
gnomAD v4.1: 1 of 1,614,152 alleles (0.000062%); highest among the groups gnomAD compares: Non-Finnish European, 0.000085%; no homozygotes.

Submission:

CeGaT Center for Human Genetics Tuebingen
Classification: Uncertain significance. Last evaluated: 2022-07-01. Review status: criteria provided, single submitter. Criteria: CeGaT Center For Human Genetics Tuebingen Variant Classification Criteria Version 2. Collection method: clinical testing. Allele origin: germline. Affected: yes. Observed: 1 variant allele.
Comment: SAA1: PM2, BP4